The following is an entry in ClinVar:

NM_015135.3(NUP205):c.461G>A (p.Arg154Gln)

Gene: NUP205 (nucleoporin 205; plus strand). Cytogenetic location: 7q33.
Variant type: single nucleotide variant.
Coding change: c.461G>A on transcript NM_015135.3 (MANE Select); coding-DNA position 461, G replaced by A.
Protein change: p.Arg154Gln; replaces arginine 154 with glutamine.
Molecular consequence: missense variant. On other transcripts: 5 prime UTR variant (1).
Genome position (GRCh38, 1-based): chr7:135,576,387, G>A. VCF-style: chr7-135576387-G-A. GRCh37 (hg19) VCF-style: chr7-135261135-G-A.
Other names: c.-625G>A (NM_001329434.2); short protein forms R154Q.
Identifiers: ClinVar variation 1355765 (VCV001355765.3), dbSNP rs745673163, ClinGen allele CA4497842.

ClinVar aggregate classification (germline): Uncertain significance (1 of 4 stars; one submission).

Allele frequency attached by ClinVar (database versions not stated): TOPMed below 0.00001; gnomAD 0.00001; gnomAD exomes 0.00004 and 0.00006; ExAC 0.00006.
gnomAD v4.1: 57 of 1,613,464 alleles (0.0035%); highest among the groups gnomAD compares: South Asian, 0.03%; no homozygotes.

Submission:

Labcorp Genetics (formerly Invitae), Labcorp
Classification: Uncertain significance. Last evaluated: 2022-09-07. Review status: criteria provided, single submitter. Criteria: Invitae Variant Classification Sherloc (09022015). Collection method: clinical testing. Allele origin: germline.
Comment: This sequence change replaces arginine, which is basic and polar, with glutamine, which is neutral and polar, at codon 154 of the NUP205 protein (p.Arg154Gln). This variant is present in population databases (rs745673163, gnomAD 0.04%). This variant has not been reported in the literature in individuals affected with NUP205-related conditions. ClinVar contains an entry for this variant (Variation ID: 1355765). Algorithms developed to predict the effect of missense changes on protein structure and function (SIFT, PolyPhen-2, Align-GVGD) all suggest that this variant is likely to be tolerated. Algorithms developed to predict the effect of sequence changes on RNA splicing suggest that this variant may disrupt the consensus splice site. In summary, the available evidence is currently insufficient to determine the role of this variant in disease. Therefore, it has been classified as a Variant of Uncertain Significance.